The following is an entry in ClinVar:

NM_000122.2(ERCC3):c.809_810del (p.Ser269_Phe270insTer)

Gene: ERCC3 (ERCC excision repair 3, TFIIH core complex helicase subunit; minus strand). Cytogenetic location: 2q14.3.
Variant type: Deletion.
Coding change: c.809_810del on transcript NM_000122.2 (MANE Select); coding-DNA positions 809 to 810, 2 bases deleted (TT; older notation c.809_810delTT).
Protein change: p.Ser269_Phe270insTer.
Molecular consequence: nonsense.
Genome position (GRCh38, 1-based): chr2:127,289,349-127,289,350, AA deleted on the plus strand (TT on the coding strand, the reverse complement: ERCC3 is on the minus strand); deleting any 2 consecutive bases within chr2:127,289,349-127,289,352 gives the same sequence; the c. name uses the placement nearest the transcript's 3' end. VCF-style (leftmost placement, unchanged base first): chr2-127289348-CAA-C. GRCh37 (hg19) VCF-style: chr2-128046924-CAA-C.
Other names: c.617_618del, p.Ser205_Phe206insTer (NM_001303416.2, NM_001303418.2).
Identifiers: ClinVar variation 16586 (VCV000016586.6), dbSNP rs866379139, ClinGen allele CA55339875.

ClinVar aggregate classification (germline): Pathogenic. Review status: criteria provided, single submitter (1 of 4 stars). 2 submissions from 2 submitters: Pathogenic (1). 1 of the submissions does not count toward it. Last evaluated 2025-12-22.

Conditions:
Xeroderma pigmentosum group B. Also called: XP, GROUP B; XPB/CS; XERODERMA PIGMENTOSUM B/COCKAYNE SYNDROME; ERCC3-Related Xeroderma Pigmentosum. Identifiers: MedGen C0268136, MONDO:0012531, OMIM 610651.

Submissions (2):

Labcorp Genetics (formerly Invitae), Labcorp
Classification: Pathogenic. Last evaluated: 2025-12-22. Review status: criteria provided, single submitter. Criteria: Invitae Variant Classification Sherloc (09022015). Collection method: clinical testing. Allele origin: germline.
Comment: This sequence change creates a premature translational stop signal (p.Phe270*) in the ERCC3 gene. It is expected to result in an absent or disrupted protein product. Loss-of-function variants in ERCC3 are known to be pathogenic (PMID: 16947863). This variant is present in population databases (no rsID available, gnomAD 0.004%). This premature translational stop signal has been observed in individual(s) with xeroderma pigmentosum (PMID: 16947863). ClinVar contains an entry for this variant (Variation ID: 16586). For these reasons, this variant has been classified as Pathogenic.

OMIM
Classification: Pathogenic for XERODERMA PIGMENTOSUM B/COCKAYNE SYNDROME. Last evaluated: 2006-11-01. Review status: no assertion criteria provided. Collection method: literature only. Allele origin: germline. Not counted in ClinVar's aggregate classification.

Literature cited by the submitters: PubMed 16947863 (cited by Labcorp Genetics (formerly Invitae), Labcorp and OMIM); PubMed 4811796 (cited by OMIM).